The following is an entry in ClinVar:

NM_031483.7(ITCH):c.1389C>T (p.Thr463=)

Gene: ITCH (itchy E3 ubiquitin protein ligase; plus strand). Cytogenetic location: 20q11.22.
Variant type: single nucleotide variant.
Coding change: c.1389C>T on transcript NM_031483.7 (MANE Select); coding-DNA position 1389, C replaced by T.
Protein change: p.Thr463=; no amino-acid change (threonine 463 retained).
Molecular consequence: synonymous variant.
Genome position (GRCh38, 1-based): chr20:34,462,186, C>T. VCF-style: chr20-34462186-C-T. GRCh37 (hg19) VCF-style: chr20-33049991-C-T.
Other names: c.1389C>T (NM_031483.6); c.1512C>T, p.Thr504= (NM_001257137.3, NM_001324197.2); c.1059C>T, p.Thr353= (NM_001257138.3); c.1389C>T, p.Thr463= (NM_001324198.2).
Identifiers: ClinVar variation 1127971 (VCV001127971.11), dbSNP rs950440320, ClinGen allele CA313389750.
Genomic context (GRCh38, chr20:34,462,186, plus strand): 5'-GGAAATGAGATTCACAGTGGATGGAATTCCATATTTTGTGGACCACAATAGAAGAACTAC[C>T]ACCTATATAGATCCCCGCACAGGAAAATCTGCCCTGTAAGTTTTCTAAACATTGTAGATT-3'
Protein context (NP_113671.3, residues 453-473): PYFVDHNRRT[Thr463=]TYIDPRTGKS

ClinVar aggregate classification (germline): Likely benign. Review status: criteria provided, single submitter (1 of 4 stars). 2 submissions from 2 submitters: Likely benign (1). 1 of the submissions does not count toward it. Last evaluated 2023-07-17.

Conditions:
ITCH-related disorder. Also called: ITCH-related condition.
Syndromic multisystem autoimmune disease due to ITCH deficiency. Also called: AUTOIMMUNE DISEASE, MULTISYSTEM, WITH FACIAL DYSMORPHISM. Identifiers: Orphanet 228426, MedGen C3150649, MONDO:0013245, OMIM 613385.

Allele frequency attached by ClinVar (database versions not stated): gnomAD exomes below 0.00001.
gnomAD v4.1: 3 of 1,613,842 alleles (0.00019%); highest among the groups gnomAD compares: South Asian, 0.0022%; no homozygotes.

Submissions (2):

Labcorp Genetics (formerly Invitae), Labcorp
Classification: Likely benign for Syndromic multisystem autoimmune disease due to ITCH deficiency. Last evaluated: 2023-07-17. Review status: criteria provided, single submitter. Criteria: Invitae Variant Classification Sherloc (09022015). Collection method: clinical testing. Allele origin: germline.

PreventionGenetics, part of Exact Sciences
Classification: Likely benign for ITCH-related condition. Last evaluated: 2023-03-21. Review status: no assertion criteria provided. Collection method: clinical testing. Allele origin: germline. Not counted in ClinVar's aggregate classification.
Comment: This variant is classified as likely benign based on ACMG/AMP sequence variant interpretation guidelines (Richards et al. 2015 PMID: 25741868, with internal and published modifications).